The following is an entry in ClinVar:

NM_000135.4(FANCA):c.3634dup (p.Ser1212fs)

Gene: FANCA (FA complementation group A; minus strand). Cytogenetic location: 16q24.3.
Variant type: Duplication.
Coding change: c.3634dup on transcript NM_000135.4 (MANE Select); coding-DNA position 3634, one base duplicated (T; older notation c.3634dupT).
Protein change: p.Ser1212fs; shifts the reading frame from serine 1212.
Molecular consequence: frameshift variant.
Genome position (GRCh38, 1-based): chr16:89,742,931, A duplicated on the plus strand (T on the coding strand, the reverse complement: FANCA is on the minus strand). VCF-style (leftmost placement, unchanged base first): chr16-89742930-G-GA. GRCh37 (hg19) VCF-style: chr16-89809338-G-GA.
Other names: c.3634dup (LRG_495t1); c.3634dup, p.Ser1212fs (NM_001286167.3); c.3634dupT (NM_000135.4, NM_000135.2); short protein forms S1212fs.
Identifiers: ClinVar variation 579823 (VCV000579823.12), dbSNP rs1374769712, ClinGen allele CA725759485.

ClinVar aggregate classification (germline): Pathogenic/Likely pathogenic. Review status: criteria provided, multiple submitters, no conflicts (2 of 4 stars). 4 submissions from 4 submitters: Pathogenic (2); Likely pathogenic (1). 1 of the submissions does not count toward it. Last evaluated 2024-05-20.

Conditions:
Fanconi anemia (FA). Also called: Fanconi's anemia. Identifiers: Orphanet 84, MedGen C0015625, MeSH D005199, MONDO:0019391.
Fanconi anemia complementation group A (FANCA). Also called: FANCA-Related Fanconi Anemia; Fanconi anemia, group A. Identifiers: Orphanet 84, MedGen C3469521, MONDO:0009215, OMIM 227650.

Allele frequency attached by ClinVar (database versions not stated): gnomAD exomes below 0.00001; gnomAD 0.00001; TOPMed 0.00005.

Submissions (4):

Fulgent Genetics
Classification: Likely pathogenic for Fanconi anemia complementation group A. Last evaluated: 2024-05-20. Review status: criteria provided, single submitter. Criteria: ACMG Guidelines, 2015. Collection method: clinical testing. Allele origin: germline.

Labcorp Genetics (formerly Invitae), Labcorp
Classification: Pathogenic for Fanconi anemia. Last evaluated: 2023-12-09. Review status: criteria provided, single submitter. Criteria: Invitae Variant Classification Sherloc (09022015). Collection method: clinical testing. Allele origin: germline.
Comment: This sequence change creates a premature translational stop signal (p.Ser1212Phefs*3) in the FANCA gene. It is expected to result in an absent or disrupted protein product. Loss-of-function variants in FANCA are known to be pathogenic (PMID: 19367192). This variant is not present in population databases (gnomAD no frequency). This premature translational stop signal has been observed in individual(s) with Fanconi anemia (PMID: 29098742). ClinVar contains an entry for this variant (Variation ID: 579823). For these reasons, this variant has been classified as Pathogenic.

Baylor Genetics
Classification: Pathogenic for Fanconi anemia complementation group A. Last evaluated: 2023-03-22. Review status: criteria provided, single submitter. Criteria: ACMG Guidelines, 2015. Collection method: clinical testing. Allele origin: unknown.

Natera, Inc.
Classification: Pathogenic for Fanconi anemia, group A. Last evaluated: 2020-09-16. Review status: no assertion criteria provided. Collection method: clinical testing. Allele origin: germline. Not counted in ClinVar's aggregate classification.

Literature cited by the submitters: PubMed 19367192 (cited by Labcorp Genetics (formerly Invitae), Labcorp); PubMed 29098742 (cited by Labcorp Genetics (formerly Invitae), Labcorp).